The following is an entry in ClinVar:

ClinVar aggregate classification (germline): Uncertain significance. Review status: criteria provided, multiple submitters, no conflicts (2 of 4 stars). 2 submissions from 2 submitters: Uncertain significance (2). Last evaluated 2024-05-20.

Conditions:
Hereditary cancer-predisposing syndrome. Also called: Neoplastic Syndromes, Hereditary; Tumor predisposition; Hereditary neoplastic syndrome; Hereditary Cancer Syndrome. Identifiers: Orphanet 140162, MedGen C0027672, MeSH D009386, MONDO:0015356.

Submissions (2):

Ambry Genetics
Classification: Uncertain significance for Hereditary cancer-predisposing syndrome. Last evaluated: 2024-05-20. Review status: criteria provided, single submitter. Criteria: Ambry Variant Classification Scheme 2023. Collection method: clinical testing. Allele origin: germline.
Comment: The p.Q84P variant (also known as c.251A>C), located in coding exon 2 of the CTNNA1 gene, results from an A to C substitution at nucleotide position 251. The glutamine at codon 84 is replaced by proline, an amino acid with similar properties. This amino acid position is conserved. In addition, the in silico prediction for this alteration is inconclusive. Based on the available evidence, the clinical significance of this variant remains unclear.

Labcorp Genetics (formerly Invitae), Labcorp
Classification: Uncertain significance. Last evaluated: 2023-11-20. Review status: criteria provided, single submitter. Criteria: Invitae Variant Classification Sherloc (09022015). Collection method: clinical testing. Allele origin: germline.
Comment: This sequence change replaces glutamine, which is neutral and polar, with proline, which is neutral and non-polar, at codon 84 of the CTNNA1 protein (p.Gln84Pro). This variant is not present in population databases (gnomAD no frequency). This variant has not been reported in the literature in individuals affected with CTNNA1-related conditions. Advanced modeling of protein sequence and biophysical properties (such as structural, functional, and spatial information, amino acid conservation, physicochemical variation, residue mobility, and thermodynamic stability) performed at Invitae indicates that this missense variant is not expected to disrupt CTNNA1 protein function with a negative predictive value of 80%. In summary, the available evidence is currently insufficient to determine the role of this variant in disease. Therefore, it has been classified as a Variant of Uncertain Significance.

NM_001903.5(CTNNA1):c.251A>C (p.Gln84Pro)

Gene: CTNNA1 (catenin alpha 1; plus strand). Cytogenetic location: 5q31.2.
Variant type: single nucleotide variant.
Coding change: c.251A>C on transcript NM_001903.5 (MANE Select); coding-DNA position 251, A replaced by C.
Protein change: p.Gln84Pro; replaces glutamine 84 with proline.
Molecular consequence: missense variant. On other transcripts: intron variant (2).
Genome position (GRCh38, 1-based): chr5:138,783,322, A>C. VCF-style: chr5-138783322-A-C. GRCh37 (hg19) VCF-style: chr5-138119011-A-C.
Other names: c.251A>C, p.Gln84Pro (NM_001290307.3, NM_001323982.2, NM_001323983.1 and 3 more transcripts); c.-6+50A>C (NM_001290310.3); c.-9+1293A>C (NM_001290309.3); c.251A>C (NM_001903.2); short protein forms Q84P.
Identifiers: ClinVar variation 2697558 (VCV002697558.4), dbSNP rs1580984616, ClinGen allele CA361477613.